The following is an entry in ClinVar:

NM_000535.7(PMS2):c.804-12A>G

Gene: PMS2 (PMS1 homolog 2, mismatch repair system component; minus strand). Cytogenetic location: 7p22.1.
Variant type: single nucleotide variant.
Coding change: c.804-12A>G on transcript NM_000535.7 (MANE Select); 12 bases into the intron before coding-DNA position 804, A replaced by G.
Molecular consequence: intron variant.
Genome position (GRCh38, 1-based): chr7:5,995,645, T>C on the plus strand (A>G on the coding strand, the complement: PMS2 is on the minus strand). VCF-style: chr7-5995645-T-C. GRCh37 (hg19) VCF-style: chr7-6035276-T-C.
Other names: c.486-12A>G (NM_001322008.2, NM_001322007.2); c.399-12A>G (NM_001322010.2, NM_001322004.2, NM_001322003.2 and 2 more transcripts); c.231-12A>G (NM_001322013.2); c.-130-12A>G (NM_001322012.2, NM_001322011.2); c.495-12A>G (NM_001322015.2); c.804-12A>G (NM_001322006.2, NM_001322014.2).
Identifiers: ClinVar variation 548879 (VCV000548879.11), dbSNP rs1221537446, ClinGen allele CA572547854.

ClinVar aggregate classification (germline): Likely benign. Review status: criteria provided, multiple submitters, no conflicts (2 of 4 stars). 4 submissions from 4 submitters: Likely benign (3). 1 of the submissions does not count toward it. Last evaluated 2025-12-10.

Conditions:
Hereditary nonpolyposis colorectal neoplasms. Identifiers: MedGen C0009405, MeSH D003123.
Hereditary cancer-predisposing syndrome. Also called: Hereditary Cancer Syndrome; Hereditary neoplastic syndrome; Tumor predisposition; Neoplastic Syndromes, Hereditary. Identifiers: Orphanet 140162, MedGen C0027672, MeSH D009386, MONDO:0015356.
Lynch syndrome 4 (LYNCH4). Also called: Hereditary non-polyposis colorectal cancer, type 4; Colorectal cancer, hereditary nonpolyposis, type 4. Identifiers: Orphanet 144, MedGen C1838333, MONDO:0013699, OMIM 614337. Disease mechanism: loss of function.

Allele frequency attached by ClinVar (database versions not stated): gnomAD exomes below 0.00001; TOPMed below 0.00001.
gnomAD v4.1: 1 of 1,558,676 alleles (0.000064%); highest among the groups gnomAD compares: Admixed American, 0.0017%; no homozygotes.

Submissions (4):

Labcorp Genetics (formerly Invitae), Labcorp
Classification: Likely benign for Hereditary nonpolyposis colorectal neoplasms. Last evaluated: 2025-12-10. Review status: criteria provided, single submitter. Criteria: Invitae Variant Classification Sherloc (09022015). Collection method: clinical testing. Allele origin: germline.

Myriad Genetics, Inc.
Classification: Likely benign for Lynch syndrome 4. Last evaluated: 2023-04-03. Review status: criteria provided, single submitter. Criteria: Myriad Autosomal Dominant, Autosomal Recessive and X-Linked Classification Criteria (2023). Collection method: clinical testing. Allele origin: unknown.
Comment: This variant is considered likely benign. This variant is intronic and is not expected to impact mRNA splicing.

Color Diagnostics, LLC DBA Color Health
Classification: Likely benign for Hereditary cancer-predisposing syndrome. Last evaluated: 2022-11-14. Review status: criteria provided, single submitter. Criteria: ACMG Guidelines, 2015. Collection method: clinical testing. Allele origin: germline.

Counsyl
Classification: Likely benign for Lynch syndrome 4. Last evaluated: 2018-04-02. Review status: no assertion criteria provided. Collection method: clinical testing. Allele origin: unknown. Not counted in ClinVar's aggregate classification.